The following is an entry in ClinVar:

NM_001943.5(DSG2):c.1243G>A (p.Ala415Thr)

Gene: DSG2 (desmoglein 2; plus strand). Cytogenetic location: 18q12.1.
Variant type: single nucleotide variant.
Coding change: c.1243G>A on transcript NM_001943.5 (MANE Select); coding-DNA position 1243, G replaced by A.
Protein change: p.Ala415Thr; replaces alanine 415 with threonine.
Molecular consequence: missense variant.
Genome position (GRCh38, 1-based): chr18:31,531,215, G>A. VCF-style: chr18-31531215-G-A. GRCh37 (hg19) VCF-style: chr18-29111178-G-A.
Other names: short protein forms A415T.
Identifiers: ClinVar variation 855980 (VCV000855980.7), dbSNP rs746645151, ClinGen allele CA041733.

ClinVar aggregate classification (germline): Conflicting classifications of pathogenicity. Review status: criteria provided, conflicting classifications (1 of 4 stars). 2 submissions from 2 submitters: Uncertain significance (1); Likely benign (1). Last evaluated 2026-02-28.

Conditions:
Arrhythmogenic right ventricular dysplasia 10. Also called: Arrhythmogenic right ventricular dysplasia/cardiomyopathy, type 10; Arrhythmogenic Right Ventricular Dysplasia/Cardiomyopathy10; ARRHYTHMOGENIC RIGHT VENTRICULAR DYSPLASIA, FAMILIAL, 10. Identifiers: MedGen C1857777, MONDO:0012434, OMIM 610193.

Allele frequency attached by ClinVar (database versions not stated): gnomAD exomes 0.00008 and 0.00004; ExAC 0.00007; gnomAD below 0.00001 and 0.00002.

Submissions (2):

GeneDx
Classification: Uncertain significance. Last evaluated: 2026-02-28. Review status: criteria provided, single submitter. Criteria: GeneDx Variant Classification Process June 2021. Collection method: clinical testing. Allele origin: germline.
Comment: In silico analysis supports that this missense variant has a deleterious effect on protein structure/function; Has not been previously published as pathogenic or benign to our knowledge

Labcorp Genetics (formerly Invitae), Labcorp
Classification: Likely benign for Arrhythmogenic right ventricular dysplasia 10. Last evaluated: 2025-06-07. Review status: criteria provided, single submitter. Criteria: Invitae Variant Classification Sherloc (09022015). Collection method: clinical testing. Allele origin: germline.